The following is an entry in ClinVar:

NM_000245.4(MET):c.3246A>T (p.Glu1082Asp)

Gene: MET (MET proto-oncogene, receptor tyrosine kinase; plus strand). Cytogenetic location: 7q31.2.
Variant type: single nucleotide variant.
Coding change: c.3246A>T on transcript NM_000245.4 (MANE Select); coding-DNA position 3246, A replaced by T.
Protein change: p.Glu1082Asp; replaces glutamic acid 1082 with aspartic acid.
Molecular consequence: missense variant.
Genome position (GRCh38, 1-based): chr7:116,775,098, A>T. VCF-style: chr7-116775098-A-T. GRCh37 (hg19) VCF-style: chr7-116415152-A-T.
Other names: c.3300A>T, p.Glu1100Asp (NM_001127500.3); c.1956A>T, p.Glu652Asp (NM_001324402.2); short protein forms E1082D, E1100D, E652D.
Identifiers: ClinVar variation 910849 (VCV000910849.16), dbSNP rs1794955289, ClinGen allele CA368988818.

ClinVar aggregate classification (germline): Conflicting classifications of pathogenicity. Review status: criteria provided, conflicting classifications (1 of 4 stars). 4 submissions from 4 submitters: Uncertain significance (3); Likely benign (1). Last evaluated 2026-09-04.

Conditions:
Renal cell carcinoma. Identifiers: Orphanet 217071, MedGen C0007134, MeSH D002292, MONDO:0005086, HP:0005584.
Papillary renal cell carcinoma type 1 (RCCP1). Also called: RENAL CELL CARCINOMA, PAPILLARY, 1, SOMATIC; Renal adenocarcinoma; Renal cell carcinoma 1; Renal cell carcinoma, somatic. Identifiers: Orphanet 47044, MedGen C1336839, OMIM 605074, HP:0011797.
Hereditary cancer-predisposing syndrome. Also called: Neoplastic Syndromes, Hereditary; Hereditary Cancer Syndrome; Tumor predisposition; Hereditary neoplastic syndrome. Identifiers: Orphanet 140162, MedGen C0027672, MeSH D009386, MONDO:0015356.

gnomAD v4.1: 3 of 1,614,160 alleles (0.00019%); no homozygotes.

Submissions (4):

Ambry Genetics
Classification: Likely benign for Hereditary cancer-predisposing syndrome. Last evaluated: 2026-09-04. Review status: criteria provided, single submitter. Criteria: Ambry Variant Classification Scheme 2023. Collection method: clinical testing. Allele origin: germline.

Labcorp Genetics (formerly Invitae), Labcorp
Classification: Uncertain significance for Renal cell carcinoma. Last evaluated: 2025-10-02. Review status: criteria provided, single submitter. Criteria: Invitae Variant Classification Sherloc (09022015). Collection method: clinical testing. Allele origin: germline.
Comment: This sequence change replaces glutamic acid, which is acidic and polar, with aspartic acid, which is acidic and polar, at codon 1100 of the MET protein (p.Glu1100Asp). This variant is not present in population databases (gnomAD no frequency). This variant has not been reported in the literature in individuals affected with MET-related conditions. ClinVar contains an entry for this variant (Variation ID: 910849). Invitae Evidence Modeling of protein sequence and biophysical properties (such as structural, functional, and spatial information, amino acid conservation, physicochemical variation, residue mobility, and thermodynamic stability) indicates that this missense variant is not expected to disrupt MET protein function with a negative predictive value of 80%. In summary, the available evidence is currently insufficient to determine the role of this variant in disease. Therefore, it has been classified as a Variant of Uncertain Significance.

Revvity Omics, Revvity
Classification: Uncertain significance. Last evaluated: 2023-05-08. Review status: criteria provided, single submitter. Criteria: ACMG Guidelines, 2015. Collection method: clinical testing. Allele origin: germline.

Illumina Laboratory Services, Illumina
Classification: Uncertain significance for Papillary renal cell carcinoma type 1. Last evaluated: 2018-01-13. Review status: criteria provided, single submitter. Criteria: ICSL Variant Classification Criteria 13 December 2019. Collection method: clinical testing. Allele origin: germline.